The following is an entry in ClinVar:

NM_001374736.1(DST):c.12291_12292dup (p.Pro4098fs)

Genes: DST (dystonin; minus strand), LOC129996656 (ATAC-STARR-seq lymphoblastoid active region 24702; plus strand). Cytogenetic location: 6p12.1.
Variant type: Microsatellite.
Coding change: c.12291_12292dup on transcript NM_001374736.1 (MANE Select); coding-DNA positions 12291 to 12292, 2 bases duplicated (TC; older notation c.12291_12292dupTC).
Protein change: p.Pro4098fs; shifts the reading frame from proline 4098.
Molecular consequence: frameshift variant.
Genome position (GRCh38, 1-based): chr6:56,594,097-56,594,098, GA duplicated on the plus strand (TC on the coding strand, the reverse complement: DST is on the minus strand); duplicating any 2 consecutive bases within chr6:56,594,097-56,594,104 gives the same sequence; the c. name uses the placement nearest the transcript's 3' end. VCF-style (leftmost placement, unchanged base first): chr6-56594096-G-GGA. GRCh37 (hg19) VCF-style: chr6-56458894-G-GGA.
Other names: c.5934_5935dup, p.Pro1979fs (NM_001144769.5); c.5520_5521dup, p.Pro1841fs (NM_001144770.2); c.12291_12292dup, p.Pro4098fs (NM_001374722.1); c.11658_11659dup, p.Pro3887fs (NM_001374729.1); c.5400_5401dup, p.Pro1801fs (NM_001374730.1, NM_001386100.1, NM_183380.4); c.12318_12319dup, p.Pro4107fs (NM_001374734.1); c.4422_4423dup, p.Pro1475fs (NM_015548.5); short protein forms P1475fs, P1801fs, P1841fs, P1979fs, P3887fs, P4098fs, P4107fs.
Identifiers: ClinVar variation 3759473 (VCV003759473.2).

ClinVar aggregate classification (germline): Pathogenic (1 of 4 stars; one submission).

Conditions:
Epidermolysis bullosa simplex 3, localized or generalized intermediate, with BP230 deficiency (EBS3). Also called: Epidermolysis bullosa simplex, autosomal recessive 2; Epidermolysis bullosa simplex due to BP230 deficiency. Identifiers: Orphanet 412181, MedGen C3809470, MONDO:0014180, OMIM 615425.
Hereditary sensory and autonomic neuropathy type 6. Also called: HSAN VI; Neuropathy, hereditary sensory and autonomic, type VI. Identifiers: Orphanet 314381, MedGen C3539003, MONDO:0013839, OMIM 614653.

Submission:

Labcorp Genetics (formerly Invitae), Labcorp
Classification: Pathogenic for Epidermolysis bullosa simplex 3, localized or generalized intermediate, with BP230 deficiency; Hereditary sensory and autonomic neuropathy type 6. Last evaluated: 2024-10-15. Review status: criteria provided, single submitter. Criteria: Invitae Variant Classification Sherloc (09022015). Collection method: clinical testing. Allele origin: germline.
Comment: The DST gene has multiple clinically relevant transcripts. This variant occurs in alternate transcript NM_015548.4, and corresponds to NM_001723.5:c.*21420_*21421insTC in the primary transcript. This sequence change creates a premature translational stop signal (p.Pro1475Leufs*12) in the DST gene. It is expected to result in an absent or disrupted protein product. Loss-of-function variants in DST are known to be pathogenic (PMID: 22522446, 25059916, 30371979). This variant is not present in population databases (gnomAD no frequency). This variant has not been reported in the literature in individuals affected with DST-related conditions. For these reasons, this variant has been classified as Pathogenic.

Literature cited by the submitters: PubMed 22522446; PubMed 25059916; PubMed 30371979.